The following is an entry in ClinVar:

ClinVar aggregate classification (germline): Uncertain significance (1 of 4 stars; one submission).

Conditions:
COG7 congenital disorder of glycosylation (CDG2E). Also called: CONGENITAL DISORDER OF GLYCOSYLATION, TYPE IIe; CDG IIe. Identifiers: Orphanet 79333, MedGen C2931010, MONDO:0012118, OMIM 608779.

Allele frequency attached by ClinVar (database versions not stated): gnomAD exomes below 0.00001.
gnomAD v4.1: 1 of 1,614,144 alleles (0.000062%); highest among the groups gnomAD compares: South Asian, 0.0011%; no homozygotes.

Submission:

Labcorp Genetics (formerly Invitae), Labcorp
Classification: Uncertain significance for COG7 congenital disorder of glycosylation. Last evaluated: 2022-08-13. Review status: criteria provided, single submitter. Criteria: Invitae Variant Classification Sherloc (09022015). Collection method: clinical testing. Allele origin: germline.
Comment: In summary, the available evidence is currently insufficient to determine the role of this variant in disease. Therefore, it has been classified as a Variant of Uncertain Significance. This sequence change replaces leucine, which is neutral and non-polar, with proline, which is neutral and non-polar, at codon 428 of the COG7 protein (p.Leu428Pro). This variant is not present in population databases (gnomAD no frequency). This variant has not been reported in the literature in individuals affected with COG7-related conditions. Algorithms developed to predict the effect of missense changes on protein structure and function are either unavailable or do not agree on the potential impact of this missense change (SIFT: "Deleterious"; PolyPhen-2: "Possibly Damaging"; Align-GVGD: "Class C0").

NM_153603.4(COG7):c.1283T>C (p.Leu428Pro)

Gene: COG7 (component of oligomeric golgi complex 7; minus strand). Cytogenetic location: 16p12.2.
Variant type: single nucleotide variant.
Coding change: c.1283T>C on transcript NM_153603.4 (MANE Select); coding-DNA position 1283, T replaced by C.
Protein change: p.Leu428Pro; replaces leucine 428 with proline.
Molecular consequence: missense variant.
Genome position (GRCh38, 1-based): chr16:23,416,976, A>G on the plus strand (T>C on the coding strand, the complement: COG7 is on the minus strand). VCF-style: chr16-23416976-A-G. GRCh37 (hg19) VCF-style: chr16-23428297-A-G.
Other names: short protein forms L428P.
Identifiers: ClinVar variation 1716403 (VCV001716403.5), dbSNP rs2506600155, ClinGen allele CA395119490.